The following is an entry in ClinVar:

NM_000548.5(TSC2):c.5144T>C (p.Met1715Thr)

Gene: TSC2 (TSC complex subunit 2; plus strand). Cytogenetic location: 16p13.3.
Variant type: single nucleotide variant.
Coding change: c.5144T>C on transcript NM_000548.5 (MANE Select); coding-DNA position 5144, T replaced by C.
Protein change: p.Met1715Thr; replaces methionine 1715 with threonine.
Molecular consequence: missense variant.
Genome position (GRCh38, 1-based): chr16:2,088,123, T>C. VCF-style: chr16-2088123-T-C. GRCh37 (hg19) VCF-style: chr16-2138124-T-C.
Other names: c.4943T>C, p.Met1648Thr (NM_001077183.3); c.5075T>C, p.Met1692Thr (NM_001114382.3); c.4835T>C, p.Met1612Thr (NM_001318827.2); c.4799T>C, p.Met1600Thr (NM_001318829.2); c.4412T>C, p.Met1471Thr (NM_001318831.2); c.4976T>C, p.Met1659Thr (NM_001318832.2); c.4946T>C, p.Met1649Thr (NM_001363528.2); c.5012T>C, p.Met1671Thr (NM_001370404.1); and 1 more; short protein forms M1471T, M1600T, M1612T, M1648T, M1649T, M1659T, M1671T, M1672T.
Identifiers: ClinVar variation 1000279 (VCV001000279.14), dbSNP rs758246234, ClinGen allele CA054058.
Genomic context (GRCh38, chr16:2,088,123, plus strand): 5'-TGGACACCAGCGTGGCCAAGATCGTGTCTGACCGCAACCTGCCCTTCGTGGCCCGCCAGA[T>C]GGCCCTGCACGCAAATGTGAGTGGGGGTGGGTCCAGGCGTGAGCTGGTGGGACAGGCCCA-3'
Protein context (NP_000539.2, residues 1705-1725): DRNLPFVARQ[Met1715Thr]ALHANMASQV

ClinVar aggregate classification (germline): Conflicting classifications of pathogenicity. Review status: criteria provided, conflicting classifications (1 of 4 stars). 5 submissions from 5 submitters: Uncertain significance (4); Benign (1). Last evaluated 2025-10-18.

Conditions:
Hereditary cancer-predisposing syndrome. Also called: Hereditary Cancer Syndrome; Hereditary neoplastic syndrome; Tumor predisposition; Neoplastic Syndromes, Hereditary. Identifiers: Orphanet 140162, MedGen C0027672, MeSH D009386, MONDO:0015356.
Tuberous sclerosis 2 (TSC2). Identifiers: Orphanet 805, MedGen C1860707, MONDO:0013199, OMIM 613254.

Allele frequency attached by ClinVar (database versions not stated): gnomAD exomes below 0.00001; ExAC 0.00001; gnomAD 0.00001.

Submissions (5):

Labcorp Genetics (formerly Invitae), Labcorp
Classification: Benign for Tuberous sclerosis 2. Last evaluated: 2025-10-18. Review status: criteria provided, single submitter. Criteria: Invitae Variant Classification Sherloc (09022015). Collection method: clinical testing. Allele origin: germline.

Ambry Genetics
Classification: Uncertain significance for Hereditary cancer-predisposing syndrome. Last evaluated: 2025-10-10. Review status: criteria provided, single submitter. Criteria: Ambry Variant Classification Scheme 2023. Collection method: clinical testing. Allele origin: germline.
Comment: The p.M1715T variant (also known as c.5144T>C), located in coding exon 39 of the TSC2 gene, results from a T to C substitution at nucleotide position 5144. The methionine at codon 1715 is replaced by threonine, an amino acid with similar properties. This amino acid position is conserved. In addition, this alteration is predicted to be deleterious by in silico analysis. Since supporting evidence is limited at this time, the clinical significance of this alteration remains unclear.

Genome-Nilou Lab
Classification: Uncertain significance for Tuberous sclerosis 2. Last evaluated: 2021-11-07. Review status: criteria provided, single submitter. Criteria: ACMG Guidelines, 2015. Collection method: clinical testing. Allele origin: germline. Affected: no.

GeneDx
Classification: Uncertain significance. Last evaluated: 2020-10-22. Review status: criteria provided, single submitter. Criteria: GeneDx Variant Classification Process June 2021. Collection method: clinical testing. Allele origin: germline. Affected: yes.
Comment: In silico analysis supports that this missense variant has a deleterious effect on protein structure/function; Has not been previously published as pathogenic or benign to our knowledge

Blueprint Genetics
Classification: Uncertain significance. Last evaluated: 2020-04-02. Review status: criteria provided, single submitter. Criteria: ACMG Guidelines, 2015. Collection method: clinical testing. Allele origin: germline.